The following is an entry in ClinVar:

ClinVar aggregate classification (germline): Uncertain significance (1 of 4 stars; one submission).

Conditions:
Familial adenomatous polyposis 1 (FAP1). Also called: POLYPOSIS, ADENOMATOUS INTESTINAL; FAMILIAL ADENOMATOUS POLYPOSIS 1, ATTENUATED. Identifiers: MedGen C2713442, MONDO:0021056, OMIM 175100. Disease mechanism: loss of function.

Submission:

Labcorp Genetics (formerly Invitae), Labcorp
Classification: Uncertain significance for Familial adenomatous polyposis 1. Last evaluated: 2022-06-15. Review status: criteria provided, single submitter. Criteria: Invitae Variant Classification Sherloc (09022015). Collection method: clinical testing. Allele origin: germline.
Comment: In summary, the available evidence is currently insufficient to determine the role of this variant in disease. Therefore, it has been classified as a Variant of Uncertain Significance. Algorithms developed to predict the effect of sequence changes on RNA splicing suggest that this variant may create or strengthen a splice site. Algorithms developed to predict the effect of missense changes on protein structure and function are either unavailable or do not agree on the potential impact of this missense change (SIFT: "Deleterious"; PolyPhen-2: "Probably Damaging"; Align-GVGD: "Class C15"). This variant has not been reported in the literature in individuals affected with APC-related conditions. This variant is not present in population databases (gnomAD no frequency). This sequence change replaces histidine, which is basic and polar, with tyrosine, which is neutral and polar, at codon 408 of the APC protein (p.His408Tyr).

NM_000038.6(APC):c.1222C>T (p.His408Tyr)

Gene: APC (APC regulator of Wnt signaling pathway; plus strand). Cytogenetic location: 5q22.2.
Variant type: single nucleotide variant.
Coding change: c.1222C>T on transcript NM_000038.6 (MANE Select); coding-DNA position 1222, C replaced by T.
Protein change: p.His408Tyr; replaces histidine 408 with tyrosine.
Molecular consequence: missense variant. On other transcripts: intron variant (4).
Genome position (GRCh38, 1-based): chr5:112,819,254, C>T. VCF-style: chr5-112819254-C-T. GRCh37 (hg19) VCF-style: chr5-112154951-C-T.
Other names: c.1222C>T, p.His408Tyr (NM_001127510.3, NM_001354895.2, NM_001354896.2 and 4 more transcripts); c.1168C>T, p.His390Tyr (NM_001127511.3); c.1252C>T, p.His418Tyr (NM_001354897.2, NM_001407446.1); c.1147C>T, p.His383Tyr (NM_001354898.2, NM_001407451.1); c.1138C>T, p.His380Tyr (NM_001354899.2, NM_001407452.1); c.1045C>T, p.His349Tyr (NM_001354900.2, NM_001354901.2, NM_001407453.1); c.373C>T, p.His125Tyr (NM_001354906.2, NM_001407470.1); c.964-15C>T (NM_001354902.2); and 3 more; short protein forms H125Y, H380Y, H349Y, H390Y, H418Y, H383Y, H408Y.
Identifiers: ClinVar variation 2006850 (VCV002006850.4), dbSNP rs2149782715, ClinGen allele CA16023976.